The following is an entry in ClinVar:

ClinVar aggregate classification (germline): Uncertain significance. Review status: criteria provided, single submitter (1 of 4 stars). 2 submissions from 2 submitters: Uncertain significance (1). 1 of the submissions does not count toward it. Last evaluated 2021-10-06.

Conditions:
CDKL5-related disorder.
Angelman syndrome-like. Identifiers: MedGen CN128785.
Developmental and epileptic encephalopathy, 2 (DEE2). Also called: INFANTILE SPASM SYNDROME, X-LINKED 2; CDKL5 deficiency disorder. Identifiers: Orphanet 1934, Orphanet 3451, Orphanet 505652, MedGen C4750718, MONDO:0010396, OMIM 300672.

Submissions (2):

Labcorp Genetics (formerly Invitae), Labcorp
Classification: Uncertain significance for Developmental and epileptic encephalopathy, 2; Angelman syndrome-like. Last evaluated: 2021-10-06. Review status: criteria provided, single submitter. Criteria: Invitae Variant Classification Sherloc (09022015). Collection method: clinical testing. Allele origin: germline.
Comment: This variant has not been reported in the literature in individuals affected with CDKL5-related conditions. This variant is not present in population databases (ExAC no frequency). This sequence change replaces serine with cysteine at codon 493 of the CDKL5 protein (p.Ser493Cys). The serine residue is moderately conserved and there is a moderate physicochemical difference between serine and cysteine. Advanced modeling of protein sequence and biophysical properties (such as structural, functional, and spatial information, amino acid conservation, physicochemical variation, residue mobility, and thermodynamic stability) performed at Invitae indicates that this missense variant is not expected to disrupt CDKL5 protein function. In summary, the available evidence is currently insufficient to determine the role of this variant in disease. Therefore, it has been classified as a Variant of Uncertain Significance.

PreventionGenetics, part of Exact Sciences
Classification: Uncertain significance for CDKL5-related condition. Last evaluated: 2024-08-16. Review status: no assertion criteria provided. Collection method: clinical testing. Allele origin: germline. Not counted in ClinVar's aggregate classification.
Comment: The CDKL5 c.1477A>T variant is predicted to result in the amino acid substitution p.Ser493Cys. To our knowledge, this variant has not been reported in the literature or in a large population database, indicating this variant is rare. At this time, the clinical significance of this variant is uncertain due to the absence of conclusive functional and genetic evidence.

NM_001323289.2(CDKL5):c.1477A>T (p.Ser493Cys)

Gene: CDKL5 (cyclin dependent kinase like 5; plus strand). Cytogenetic location: Xp22.13.
Variant type: single nucleotide variant.
Coding change: c.1477A>T on transcript NM_001323289.2 (MANE Select); coding-DNA position 1477, A replaced by T.
Protein change: p.Ser493Cys; replaces serine 493 with cysteine.
Molecular consequence: missense variant.
Genome position (GRCh38, 1-based): chrX:18,604,401, A>T. VCF-style: chrX-18604401-A-T. GRCh37 (hg19) VCF-style: chrX-18622521-A-T.
Other names: c.1477A>T, p.Ser493Cys (NM_001037343.2, NM_003159.3); c.1477A>T (NM_003159.2); short protein forms S493C.
Identifiers: ClinVar variation 1384991 (VCV001384991.7), dbSNP rs2147160801, ClinGen allele CA412361086.